The following is an entry in ClinVar:

ClinVar aggregate classification (germline): Likely pathogenic (1 of 4 stars; one submission).

Conditions:
alpha Thalassemia. Also called: Alpha thalassemia spectrum. Identifiers: Orphanet 846, MedGen C0002312, MONDO:0011399, OMIM 604131.

Submission:

Natera, Inc.
Classification: Likely pathogenic for Alpha thalassemia. Last evaluated: 2025-12-08. Review status: criteria provided, single submitter. Criteria: Natera Variant Classification Schema (03/2026). Collection method: clinical testing. Allele origin: germline.
Comment: The c.105_127del variant in HBA2 is a frameshift variant predicted to shift the reading frame beginning at codon 36 and leads to a stop codon 14 codons downstream. This variant is expected to result in nonsense mediated decay, truncation, or a dysfunctional protein product. This variant is rare in the general population with a frequency below the threshold expected for the associated phenotype(s). Given the available evidence, this variant is classified as Likely Pathogenic.

NM_000517.6(HBA2):c.105_127del (p.Ser36fs)

Genes: HBA2 (hemoglobin subunit alpha 2; plus strand), LOC106804612 (hemoglobin subunit alpha 2 recombination region; plus strand). Cytogenetic location: 16p13.3.
Variant type: Deletion.
Coding change: c.105_127del on transcript NM_000517.6 (MANE Select); coding-DNA positions 105 to 127, 23 bases deleted (GTCCTTCCCCACCACCAAGACCT).
Protein change: p.Ser36fs; shifts the reading frame from serine 36.
Molecular consequence: frameshift variant.
Genome position (GRCh38, 1-based): chr16:173,134-173,156, GTCCTTCCCCACCACCAAGACCT deleted; deleting any 23 consecutive bases within chr16:173,131-173,156 gives the same sequence; the c. name uses the placement nearest the transcript's 3' end. VCF-style (leftmost placement, unchanged base first): chr16-173130-TCCTGTCCTTCCCCACCACCAAGA-T. GRCh37 (hg19) VCF-style: chr16-223129-TCCTGTCCTTCCCCACCACCAAGA-T.
Other names: short protein forms S36fs.
Identifiers: ClinVar variation 4818613 (VCV004818613.1).